The following is an entry in ClinVar:

ClinVar aggregate classification (germline): Uncertain significance (1 of 4 stars; one submission).

Conditions:
Melnick-Needles syndrome (MNS). Also called: MELNICK-NEEDLES OSTEODYSPLASTY; OSTEODYSPLASTY OF MELNICK AND NEEDLES; Melnick-Needles Syndrome (FLNA-MNS). Identifiers: Orphanet 2484, MedGen C0025237, MONDO:0010650, OMIM 309350.
Heterotopia, periventricular, X-linked dominant (PVNH1). Also called: PERIVENTRICULAR NODULAR HETEROTOPIA 1; X-linked periventricular heterotopia; HETEROTOPIA, PERIVENTRICULAR, 1; PERIVENTRICULAR NODULAR HETEROTOPIA 4. Identifiers: Orphanet 2149, Orphanet 82004, MedGen C1848213, MONDO:0010233, OMIM 300049.
Oto-palato-digital syndrome, type II (OPD2). Also called: OPD II SYNDROME; Otopalatodigital Syndrome, Type II; FACIOPALATOOSSEOUS SYNDROME; Otopalatodigital Syndrome Type 2 (FLNA-OPD2). Identifiers: Orphanet 669, Orphanet 90652, MedGen C1844696, MONDO:0010571, OMIM 304120.
Frontometaphyseal dysplasia (FMD1). Identifiers: Orphanet 1826, MedGen C0265293, MONDO:0015942.

Submission:

Labcorp Genetics (formerly Invitae), Labcorp
Classification: Uncertain significance for Oto-palato-digital syndrome, type II; Heterotopia, periventricular, X-linked dominant; Frontometaphyseal dysplasia; Melnick-Needles syndrome. Last evaluated: 2022-10-24. Review status: criteria provided, single submitter. Criteria: Invitae Variant Classification Sherloc (09022015). Collection method: clinical testing. Allele origin: germline.
Comment: In summary, the available evidence is currently insufficient to determine the role of this variant in disease. Therefore, it has been classified as a Variant of Uncertain Significance. Advanced modeling of protein sequence and biophysical properties (such as structural, functional, and spatial information, amino acid conservation, physicochemical variation, residue mobility, and thermodynamic stability) performed at Invitae indicates that this missense variant is not expected to disrupt FLNA protein function. This variant has not been reported in the literature in individuals affected with FLNA-related conditions. This variant is not present in population databases (gnomAD no frequency). This sequence change replaces histidine, which is basic and polar, with asparagine, which is neutral and polar, at codon 646 of the FLNA protein (p.His646Asn).

NM_001110556.2(FLNA):c.1936C>A (p.His646Asn)

Gene: FLNA (filamin A; minus strand). Cytogenetic location: Xq28.
Variant type: single nucleotide variant.
Coding change: c.1936C>A on transcript NM_001110556.2 (MANE Select); coding-DNA position 1936, C replaced by A.
Protein change: p.His646Asn; replaces histidine 646 with asparagine.
Molecular consequence: missense variant.
Genome position (GRCh38, 1-based): chrX:154,364,612, G>T on the plus strand (C>A on the coding strand, the complement: FLNA is on the minus strand). VCF-style: chrX-154364612-G-T. GRCh37 (hg19) VCF-style: chrX-153592980-G-T.
Other names: c.1936C>A, p.His646Asn (NM_001456.4); short protein forms H646N.
Identifiers: ClinVar variation 1720806 (VCV001720806.6), dbSNP rs2522754751, ClinGen allele CA415241560.
Genomic context (GRCh38, chrX:154,364,612, plus strand): 5'-CGTCACGGATGTCAGCCATGAAGGGGCTGAGGCGGATGTCTTCGCTGTTGCACAGCACGT[G>T]AACGGCATACTCGCCAGCCTCCTGCGGCCAGTAGCGCACATCACAGGAGCCGTCGCCCTT-3'
Protein context (NP_001104026.1, residues 636-656): WPQEAGEYAV[His646Asn]VLCNSEDIRL